The following is an entry in ClinVar:

NM_198253.3(TERT):c.45C>T (p.Arg15=)

Genes: TERT (telomerase reverse transcriptase; minus strand), LOC110806263 (TERT 5' regulatory region; plus strand). Cytogenetic location: 5p15.33.
Variant type: single nucleotide variant.
Coding change: c.45C>T on transcript NM_198253.3 (MANE Select); coding-DNA position 45, C replaced by T.
Protein change: p.Arg15=; no amino-acid change (arginine 15 retained).
Molecular consequence: synonymous variant. On other transcripts: non-coding transcript variant (2).
Genome position (GRCh38, 1-based): chr5:1,294,945, G>A on the plus strand (C>T on the coding strand, the complement: TERT is on the minus strand). VCF-style: chr5-1294945-G-A. GRCh37 (hg19) VCF-style: chr5-1295060-G-A.
Other names: c.45C>T, p.Arg15= (NM_001193376.3).
Identifiers: ClinVar variation 416302 (VCV000416302.21), dbSNP rs750133706, ClinGen allele CA3185026.

ClinVar aggregate classification (germline): Likely benign. Review status: criteria provided, multiple submitters, no conflicts (2 of 4 stars). 5 submissions from 5 submitters: Likely benign (4). 1 of the submissions does not count toward it. Last evaluated 2026-01-01.

Conditions:
Idiopathic Pulmonary Fibrosis. Also called: Idiopathic fibrosing alveolitis, chronic form; idiopathic fibrosing alveolitis. Identifiers: Orphanet 2032, MedGen C1800706, MeSH D054990, MONDO:0800504.
Dyskeratosis congenita, autosomal dominant 2. Identifiers: MedGen C3151443, MONDO:0013521, OMIM 613989.
TERT-related disorder. Also called: TERT-related condition; TERT-related disorders.
Dyskeratosis congenita. Identifiers: Orphanet 1775, MedGen C0265965, MONDO:0015780.

Allele frequency attached by ClinVar (database versions not stated): ExAC 0.00020; TOPMed 0.00001; gnomAD 0.00002; gnomAD exomes 0.00002.
gnomAD v4.1: 22 of 1,401,036 alleles (0.0016%); highest among the groups gnomAD compares: Middle Eastern, 0.025%; no homozygotes.

Submissions (5):

CeGaT Center for Human Genetics Tuebingen
Classification: Likely benign. Last evaluated: 2026-01-01. Review status: criteria provided, single submitter. Criteria: CeGaT Center For Human Genetics Tuebingen Variant Classification Criteria Version 2. Collection method: clinical testing. Allele origin: germline. Affected: yes. Observed: 1 variant allele.
Comment: TERT: BP4, BP7

Labcorp Genetics (formerly Invitae), Labcorp
Classification: Likely benign for Dyskeratosis congenita, autosomal dominant 2; Idiopathic Pulmonary Fibrosis. Last evaluated: 2025-07-30. Review status: criteria provided, single submitter. Criteria: Invitae Variant Classification Sherloc (09022015). Collection method: clinical testing. Allele origin: germline.

Center for Genomic Medicine, Rigshospitalet, Copenhagen University Hospital
Classification: Likely benign. Last evaluated: 2025-03-04. Review status: criteria provided, single submitter. Criteria: ACMG Guidelines, 2015. Collection method: clinical testing. Allele origin: germline.

Ambry Genetics
Classification: Likely benign for Dyskeratosis congenita. Last evaluated: 2022-03-06. Review status: criteria provided, single submitter. Criteria: Ambry Variant Classification Scheme 2023. Collection method: clinical testing. Allele origin: germline.

PreventionGenetics, part of Exact Sciences
Classification: Likely benign for TERT-related condition. Last evaluated: 2024-07-21. Review status: no assertion criteria provided. Collection method: clinical testing. Allele origin: germline. Not counted in ClinVar's aggregate classification.
Comment: This variant is classified as likely benign based on ACMG/AMP sequence variant interpretation guidelines (Richards et al. 2015 PMID: 25741868, with internal and published modifications).